The following is an entry in ClinVar:

NM_138459.5(NUS1):c.768G>A (p.Trp256Ter)

Gene: NUS1 (NUS1 dehydrodolichyl diphosphate synthase subunit; plus strand). Cytogenetic location: 6q22.1.
Variant type: single nucleotide variant.
Coding change: c.768G>A on transcript NM_138459.5 (MANE Select); coding-DNA position 768, G replaced by A.
Protein change: p.Trp256Ter; replaces tryptophan 256 with a stop codon.
Molecular consequence: nonsense.
Genome position (GRCh38, 1-based): chr6:117,703,681, G>A. VCF-style: chr6-117703681-G-A. GRCh37 (hg19) VCF-style: chr6-118024844-G-A.
Other names: short protein forms W256*.
Identifiers: ClinVar variation 2571260 (VCV002571260.27), dbSNP rs2482032232, ClinGen allele CA365537420.
Genomic context (GRCh38, chr6:117,703,681, plus strand): 5'-TGATCCTGATTTAGTATTGAAGTTCGGTCCTGTGGACAGCACATTAGGCTTTCTTCCCTG[G>A]CACATCAGATTGACTGAGATTGTGTAAGTAATTAAAAGCGTACTGACTTTGTTTAGATTC-3'

ClinVar aggregate classification (germline): Likely pathogenic (1 of 4 stars; one submission).

Submission:

CeGaT Center for Human Genetics Tuebingen
Classification: Likely pathogenic. Last evaluated: 2023-06-01. Review status: criteria provided, single submitter. Criteria: CeGaT Center For Human Genetics Tuebingen Variant Classification Criteria Version 2. Collection method: clinical testing. Allele origin: germline. Affected: yes. Observed: 1 variant allele.
Comment: NUS1: PVS1:Strong, PM2